The following is an entry in ClinVar:

NM_001142800.2(EYS):c.6009C>T (p.Leu2003=)

Gene: EYS (EGF-like photoreceptor maintenance factor; minus strand). Cytogenetic location: 6q12.
Variant type: single nucleotide variant.
Coding change: c.6009C>T on transcript NM_001142800.2 (MANE Select); coding-DNA position 6009, C replaced by T.
Protein change: p.Leu2003=; no amino-acid change (leucine 2003 retained).
Molecular consequence: synonymous variant.
Genome position (GRCh38, 1-based): chr6:64,388,759, G>A on the plus strand (C>T on the coding strand, the complement: EYS is on the minus strand). VCF-style: chr6-64388759-G-A. GRCh37 (hg19) VCF-style: chr6-65098652-G-A.
Other names: c.6009C>T, p.Leu2003= (NM_001292009.2).
Identifiers: ClinVar variation 766522 (VCV000766522.14), dbSNP rs934395477, ClinGen allele CA12271341.
Genomic context (GRCh38, chr6:64,388,759, plus strand): 5'-CCCATGAAGGTCTGGAAATCCACCAATGAAGACAGATCCTGATTTTGGCAGGGGTTTTCC[G>A]AGTACATGATTGATAGATTCGCATATTTGTGTATTCCTCCCTAAAATAGTCAGCTCAGCG-3'
Protein context (NP_001136272.1, residues 1993-2013): TQICESINHV[Leu2003=]GKPLPKSGSV

ClinVar aggregate classification (germline): Likely benign. Review status: criteria provided, multiple submitters, no conflicts (2 of 4 stars). 4 submissions from 4 submitters: Likely benign (2). 2 of the submissions do not count toward it. Last evaluated 2026-01-06.

Conditions:
EYS-related disorder. Also called: EYS-related condition.
Retinitis pigmentosa 25 (RP25). Identifiers: Orphanet 791, MedGen C1864446, MONDO:0011272, OMIM 602772.

Allele frequency attached by ClinVar (database versions not stated): TOPMed 0.00003; gnomAD exomes 0.00004 and 0.00007.
gnomAD v4.1: 61 of 1,545,124 alleles (0.0039%); highest among the groups gnomAD compares: Middle Eastern, 0.017%; no homozygotes.

Submissions (4):

Labcorp Genetics (formerly Invitae), Labcorp
Classification: Likely benign. Last evaluated: 2026-01-06. Review status: criteria provided, single submitter. Criteria: Invitae Variant Classification Sherloc (09022015). Collection method: clinical testing. Allele origin: germline.

Blueprint Genetics
Classification: Likely benign. Last evaluated: 2023-05-08. Review status: criteria provided, single submitter. Criteria: ACMG Guidelines, 2015. Collection method: clinical testing. Allele origin: germline.

Natera, Inc.
Classification: Likely benign for Retinitis pigmentosa type 25. Last evaluated: 2020-01-19. Review status: no assertion criteria provided. Collection method: clinical testing. Allele origin: germline. Not counted in ClinVar's aggregate classification.

PreventionGenetics, part of Exact Sciences
Classification: Likely benign for EYS-related condition. Last evaluated: 2019-02-22. Review status: no assertion criteria provided. Collection method: clinical testing. Allele origin: germline. Not counted in ClinVar's aggregate classification.
Comment: This variant is classified as likely benign based on ACMG/AMP sequence variant interpretation guidelines (Richards et al. 2015 PMID: 25741868, with internal and published modifications).